The following is an entry in ClinVar:

ClinVar aggregate classification (germline): Conflicting classifications of pathogenicity. Review status: criteria provided, conflicting classifications (1 of 4 stars). 4 submissions from 4 submitters: Uncertain significance (1); Likely benign (3). Last evaluated 2025-07-14.

Conditions:
Dystonic disorder. Also called: Dystonia. Identifiers: MedGen C0013421, MONDO:0003441, HP:0001332.

Allele frequency attached by ClinVar (database versions not stated): TOPMed 0.00014; gnomAD exomes 0.00017 and 0.00020; ExAC 0.00018; gnomAD 0.00019 and 0.00020; ESP Exome Variant Server 0.00023.
gnomAD v4.1: 322 of 1,611,334 alleles (0.02%); highest among the groups gnomAD compares: Non-Finnish European, 0.026%; no homozygotes.

Submissions (4):

Labcorp Genetics (formerly Invitae), Labcorp
Classification: Likely benign for Dystonic disorder. Last evaluated: 2025-07-14. Review status: criteria provided, single submitter. Criteria: Invitae Variant Classification Sherloc (09022015). Collection method: clinical testing. Allele origin: germline.

Mayo Clinic Laboratories, Mayo Clinic
Classification: Likely benign. Last evaluated: 2024-12-20. Review status: criteria provided, single submitter. Criteria: ACMG Guidelines, 2015. Collection method: clinical testing. Allele origin: germline. Observed: 2 variant alleles.
Comment: BS2, BP4_moderate

GeneDx
Classification: Likely benign. Last evaluated: 2019-01-11. Review status: criteria provided, single submitter. Criteria: GeneDx Variant Classification Process June 2021. Collection method: clinical testing. Allele origin: germline. Affected: yes.

CeGaT Center for Human Genetics Tuebingen
Classification: Uncertain significance. Last evaluated: 2017-06-01. Review status: criteria provided, single submitter. Criteria: CeGaT Center For Human Genetics Tuebingen Variant Classification Criteria Version 2. Collection method: clinical testing. Allele origin: germline. Affected: yes. Observed: 1 variant allele.

NM_031418.4(ANO3):c.295C>A (p.Leu99Ile)

Gene: ANO3 (anoctamin 3; plus strand). Cytogenetic location: 11p14.2.
Variant type: single nucleotide variant.
Coding change: c.295C>A on transcript NM_031418.4 (MANE Select); coding-DNA position 295, C replaced by A.
Protein change: p.Leu99Ile; replaces leucine 99 with isoleucine.
Molecular consequence: missense variant.
Genome position (GRCh38, 1-based): chr11:26,443,818, C>A. VCF-style: chr11-26443818-C-A. GRCh37 (hg19) VCF-style: chr11-26465365-C-A.
Other names: p.Leu99Ile; c.478C>A, p.Leu160Ile (NM_001313726.2); short protein forms L160I, L99I.
Identifiers: ClinVar variation 444246 (VCV000444246.53), dbSNP rs370404701, ClinGen allele CA5925507.